The following is an entry in ClinVar:

NM_000404.4(GLB1):c.1577G>A (p.Gly526Asp)

Gene: GLB1 (galactosidase beta 1; minus strand). Cytogenetic location: 3p22.3.
Variant type: single nucleotide variant.
Coding change: c.1577G>A on transcript NM_000404.4 (MANE Select); coding-DNA position 1577, G replaced by A.
Protein change: p.Gly526Asp; replaces glycine 526 with aspartic acid.
Molecular consequence: missense variant.
Genome position (GRCh38, 1-based): chr3:33,014,213, C>T on the plus strand (G>A on the coding strand, the complement: GLB1 is on the minus strand). VCF-style: chr3-33014213-C-T. GRCh37 (hg19) VCF-style: chr3-33055705-C-T.
Other names: c.1487G>A, p.Gly496Asp (NM_001079811.3); c.1184G>A, p.Gly395Asp (NM_001135602.3); c.1721G>A, p.Gly574Asp (NM_001317040.2); c.1577G>A, p.Gly526Asp (NM_001393580.1); short protein forms G526D, G496D, G574D, G395D.
Identifiers: ClinVar variation 558919 (VCV000558919.60), dbSNP rs147332381, ClinGen allele CA2299355.
Genomic context (GRCh38, chr3:33,014,213, plus strand): 5'-TAGTTGGATGAGTTGTGGGCCCAGGCTTCATCATGGTGGCCACTGTCACGGTGTCCCCAG[C>T]CCCCCAGGTGGCTGCACACTGCATCCTCAGTGTCCAGTGGAAAGATCGTCCAGTCCGTGA-3'
Protein context (NP_000395.3, residues 516-536): TEDAVCSHLG[Gly526Asp]WGHRDSGHHD

ClinVar aggregate classification (germline): Benign/Likely benign. Review status: criteria provided, multiple submitters, no conflicts (2 of 4 stars). 7 submissions from 7 submitters: Benign (2); Likely benign (3). 2 of the submissions do not count toward it. Last evaluated 2026-05-01.

Conditions:
Intellectual disability. Also called: Intellectual functioning disability; intellectual disabilities; Intellectual developmental disorder. Identifiers: MedGen C3714756, MeSH D008607, MONDO:0001071, HP:0001249.
Mucopolysaccharidosis, MPS-IV-B (MPS4B). Also called: Mucopolysaccharidosis type IV B; MORQUIO SYNDROME B; Mucopolysaccharidosis Type IVB; Mucopolysaccharidosis Type IVB (Morquio B Disease); Mucopolysaccharidosis type 4B; Mucopolysaccharidosis type IVB (Morquio). Identifiers: Orphanet 309310, Orphanet 582, MedGen C0086652, MONDO:0009660, OMIM 253010.
GM1 gangliosidosis. Identifiers: Orphanet 354, MedGen C0085131, MONDO:0018149.

Allele frequency attached by ClinVar (database versions not stated): ExAC 0.00138; ESP Exome Variant Server 0.00333; gnomAD 0.00438 and 0.00464; TOPMed 0.00458; 1000 Genomes Project 0.00559; 1000 Genomes Project 30x 0.00593.
gnomAD v4.1: 1,386 of 1,613,984 alleles (0.086%); highest among the groups gnomAD compares: African/African-American, 1.4%; 13 homozygotes.

Submissions (7):

CeGaT Center for Human Genetics Tuebingen
Classification: Benign. Last evaluated: 2026-05-01. Review status: criteria provided, single submitter. Criteria: CeGaT Center For Human Genetics Tuebingen Variant Classification Criteria Version 2. Collection method: clinical testing. Allele origin: germline. Affected: yes. Observed: 4 variant alleles.
Comment: GLB1: BS1, BS2

Labcorp Genetics (formerly Invitae), Labcorp
Classification: Benign for Mucopolysaccharidosis, MPS-IV-B; GM1 gangliosidosis. Last evaluated: 2026-02-04. Review status: criteria provided, single submitter. Criteria: Invitae Variant Classification Sherloc (09022015). Collection method: clinical testing. Allele origin: germline.

Blueprint Genetics
Classification: Likely benign. Last evaluated: 2024-09-19. Review status: criteria provided, single submitter. Criteria: ACMG Guidelines, 2015. Collection method: clinical testing. Allele origin: germline.

Women's Health and Genetics/Laboratory Corporation of America, LabCorp
Classification: Likely benign. Last evaluated: 2021-12-10. Review status: criteria provided, single submitter. Criteria: LabCorp Variant Classification Summary - May 2015. Collection method: clinical testing. Allele origin: germline.

Breakthrough Genomics
Classification: Likely benign. Review status: criteria provided, single submitter. Criteria: ACMG Guidelines, 2015. Collection method: not provided. Allele origin: germline. Inheritance: Autosomal recessive inheritance. Affected: yes.

Centre de Biologie Pathologie Génétique, Centre Hospitalier Universitaire de Lille
Classification: Likely benign for Intellectual disability. Last evaluated: 2019-01-01. Review status: no assertion criteria provided. Collection method: clinical testing. Allele origin: inherited. Affected: yes. Not counted in ClinVar's aggregate classification.

Mayo Clinic Laboratories, Mayo Clinic
Classification: Likely benign. Last evaluated: 2017-08-09. Review status: no assertion criteria provided. Collection method: clinical testing. Allele origin: unknown. Not counted in ClinVar's aggregate classification.